The following is an entry in ClinVar:

NM_001376.5(DYNC1H1):c.7679A>G (p.His2560Arg)

Gene: DYNC1H1 (dynein cytoplasmic 1 heavy chain 1; plus strand). Cytogenetic location: 14q32.31.
Variant type: single nucleotide variant.
Coding change: c.7679A>G on transcript NM_001376.5 (MANE Select); coding-DNA position 7679, A replaced by G.
Protein change: p.His2560Arg; replaces histidine 2560 with arginine.
Molecular consequence: missense variant.
Genome position (GRCh38, 1-based): chr14:102,016,830, A>G. VCF-style: chr14-102016830-A-G. GRCh37 (hg19) VCF-style: chr14-102483167-A-G.
Other names: c.7679A>G (NM_001376.4); short protein forms H2560R.
Identifiers: ClinVar variation 1384750 (VCV001384750.9), dbSNP rs1567012734, ClinGen allele CA391002682.

ClinVar aggregate classification (germline): Uncertain significance. Review status: criteria provided, multiple submitters, no conflicts (2 of 4 stars). 2 submissions from 2 submitters: Uncertain significance (2). Last evaluated 2023-01-20.

Conditions:
Charcot-Marie-Tooth disease axonal type 2O. Also called: CHARCOT-MARIE-TOOTH NEUROPATHY, AXONAL, TYPE 2O; CHARCOT-MARIE-TOOTH DISEASE, AXONAL, AUTOSOMAL DOMINANT, TYPE 2O; Charcot-Marie-Tooth Neuropathy Type 2O; Charcot-Marie-Tooth disease, axonal, type 20. Identifiers: Orphanet 284232, MedGen C3280220, MONDO:0013644, OMIM 614228.
Inborn genetic diseases. Identifiers: MedGen C0950123, MeSH D030342.

Allele frequency attached by ClinVar (database versions not stated): gnomAD exomes below 0.00001.
gnomAD v4.1: 1 of 1,614,102 alleles (0.000062%); highest among the groups gnomAD compares: Non-Finnish European, 0.000085%; no homozygotes.

Submissions (2):

Ambry Genetics
Classification: Uncertain significance for Inborn genetic diseases. Last evaluated: 2023-01-20. Review status: criteria provided, single submitter. Criteria: Ambry Variant Classification Scheme 2023. Collection method: clinical testing. Allele origin: germline.

Labcorp Genetics (formerly Invitae), Labcorp
Classification: Uncertain significance for Charcot-Marie-Tooth disease axonal type 2O. Last evaluated: 2022-10-24. Review status: criteria provided, single submitter. Criteria: Invitae Variant Classification Sherloc (09022015). Collection method: clinical testing. Allele origin: germline.
Comment: This sequence change replaces histidine, which is basic and polar, with arginine, which is basic and polar, at codon 2560 of the DYNC1H1 protein (p.His2560Arg). This variant is not present in population databases (gnomAD no frequency). This variant has not been reported in the literature in individuals affected with DYNC1H1-related conditions. ClinVar contains an entry for this variant (Variation ID: 1384750). Advanced modeling of protein sequence and biophysical properties (such as structural, functional, and spatial information, amino acid conservation, physicochemical variation, residue mobility, and thermodynamic stability) has been performed at Invitae for this missense variant, however the output from this modeling did not meet the statistical confidence thresholds required to predict the impact of this variant on DYNC1H1 protein function. In summary, the available evidence is currently insufficient to determine the role of this variant in disease. Therefore, it has been classified as a Variant of Uncertain Significance.